The following is an entry in ClinVar:

ClinVar aggregate classification (germline): Pathogenic (1 of 4 stars; one submission).

Conditions:
Retinitis pigmentosa 20 (RP20). Identifiers: Orphanet 791, MedGen C3151086, MONDO:0013425, OMIM 613794.
Leber congenital amaurosis 2 (LCA2). Also called: Autosomal Recessive RPE65-Related Retinal Degeneration; AMAUROSIS CONGENITA OF LEBER II. Identifiers: Orphanet 65, MedGen C1859844, MONDO:0008765, OMIM 204100. Disease mechanism: loss of function.

Submission:

Labcorp Genetics (formerly Invitae), Labcorp
Classification: Pathogenic for Leber congenital amaurosis 2; Retinitis pigmentosa 20. Last evaluated: 2021-11-26. Review status: criteria provided, single submitter. Criteria: Invitae Variant Classification Sherloc (09022015). Collection method: clinical testing. Allele origin: germline.
Comment: This sequence change creates a premature translational stop signal (p.Ala177Hisfs*7) in the RPE65 gene. It is expected to result in an absent or disrupted protein product. Loss-of-function variants in RPE65 are known to be pathogenic (PMID: 9326941, 9501220, 9843205, 18632300). This variant is not present in population databases (gnomAD no frequency). This variant has not been reported in the literature in individuals affected with RPE65-related conditions. For these reasons, this variant has been classified as Pathogenic.

Literature cited by the submitters: PubMed 9326941; PubMed 9501220; PubMed 9843205; PubMed 18632300.

NM_000329.3(RPE65):c.528_529del (p.Ala177fs)

Gene: RPE65 (retinoid isomerohydrolase RPE65; minus strand). Cytogenetic location: 1p31.3.
Variant type: Deletion.
Coding change: c.528_529del on transcript NM_000329.3 (MANE Select); coding-DNA positions 528 to 529, 2 bases deleted (GG; older notation c.528_529delGG).
Protein change: p.Ala177fs; shifts the reading frame from alanine 177.
Molecular consequence: frameshift variant.
Genome position (GRCh38, 1-based): chr1:68,440,967-68,440,968, CC deleted on the plus strand (GG on the coding strand, the reverse complement: RPE65 is on the minus strand); deleting any 2 consecutive bases within chr1:68,440,967-68,440,970 gives the same sequence; the c. name uses the placement nearest the transcript's 3' end. VCF-style (leftmost placement, unchanged base first): chr1-68440966-GCC-G. GRCh37 (hg19) VCF-style: chr1-68906649-GCC-G.
Other names: short protein forms A177fs.
Identifiers: ClinVar variation 1452221 (VCV001452221.6), dbSNP rs2100821898, ClinGen allele CA2573131972.